The following is an entry in ClinVar:

ClinVar aggregate classification (germline): Uncertain significance (1 of 4 stars; one submission).

Submission:

Labcorp Genetics (formerly Invitae), Labcorp
Classification: Uncertain significance. Last evaluated: 2022-05-04. Review status: criteria provided, single submitter. Criteria: Invitae Variant Classification Sherloc (09022015). Collection method: clinical testing. Allele origin: germline.
Comment: In summary, the available evidence is currently insufficient to determine the role of this variant in disease. Therefore, it has been classified as a Variant of Uncertain Significance. This variant has not been reported in the literature in individuals affected with BCL11B-related conditions. The frequency data for this variant in the population databases is considered unreliable, as metrics indicate insufficient coverage at this position in the gnomAD database. This variant, c.1928_1933dup, results in the insertion of 2 amino acid(s) of the BCL11B protein (p.Gly643_Asp644dup), but otherwise preserves the integrity of the reading frame.

NM_138576.4(BCL11B):c.1928_1933dup (p.Asp644_Ala645insGlyAsp)

Gene: BCL11B (BCL11 transcription factor B; minus strand). Cytogenetic location: 14q32.2.
Variant type: Duplication.
Coding change: c.1928_1933dup on transcript NM_138576.4 (MANE Select); coding-DNA positions 1928 to 1933, 6 bases duplicated (GGGACG; older notation c.1928_1933dupGGGACG).
Protein change: p.Asp644_Ala645insGlyAsp.
Molecular consequence: inframe insertion.
Genome position (GRCh38, 1-based): chr14:99,174,903-99,174,908, CGTCCC duplicated on the plus strand (GGGACG on the coding strand, the reverse complement: BCL11B is on the minus strand); duplicating any 6 consecutive bases within chr14:99,174,903-99,174,910 gives the same sequence; the c. name uses the placement nearest the transcript's 3' end. VCF-style (leftmost placement, unchanged base first): chr14-99174902-G-GCGTCCC. GRCh37 (hg19) VCF-style: chr14-99641239-G-GCGTCCC.
Other names: c.1925_1930dup, p.Asp643_Ala644insGlyAsp (NM_001282237.2); c.1712_1717dup, p.Asp572_Ala573insGlyAsp (NM_001282238.2); c.1715_1720dup, p.Asp573_Ala574insGlyAsp (NM_022898.3).
Identifiers: ClinVar variation 1947750 (VCV001947750.5), dbSNP rs1886430982, ClinGen allele CA966480257.
Genomic context (GRCh38, chr14:99,174,902, plus strand): 5'-AAGGGCTCGGTGCCTGGCGCGAAGCCGCCCCCGCGCCCGTTGACCGCGCCGCCCGCGCCC[G>GCGTCCC]CGTCCCCGCAGCCGCCCGCGTCGTCGTCGTCGCCCGCGTCCCCGCCGCCCGCCGCACGCT-3'